The following is an entry in ClinVar:

NM_024824.5(ZC3H14):c.432-3T>C

Gene: ZC3H14 (zinc finger CCCH-type containing 14; plus strand). Cytogenetic location: 14q31.3.
Variant type: single nucleotide variant.
Coding change: c.432-3T>C on transcript NM_024824.5 (MANE Select); 3 bases into the intron before coding-DNA position 432, T replaced by C.
Molecular consequence: intron variant.
Genome position (GRCh38, 1-based): chr14:88,572,575, T>C. VCF-style: chr14-88572575-T-C. GRCh37 (hg19) VCF-style: chr14-89038919-T-C.
Other names: c.330-3T>C (NM_001326297.2, NM_001326315.2, NM_001326301.2 and 3 more transcripts); c.432-3T>C (NM_001160103.2, NM_001326310.2, NM_001160104.2 and 9 more transcripts); c.-34-3T>C (NM_001326300.2, NM_001326302.2, NM_001326308.2 and 5 more transcripts).
Identifiers: ClinVar variation 130767 (VCV000130767.13), dbSNP rs77755006, ClinGen allele CA156036.

ClinVar aggregate classification (germline): Benign/Likely benign. Review status: criteria provided, multiple submitters, no conflicts (2 of 4 stars). 4 submissions from 4 submitters: Benign (1); Likely benign (1). 2 of the submissions do not count toward it. Last evaluated 2022-01-20.

Conditions:
ZC3H14-related disorder. Also called: ZC3H14-related condition.
Intellectual developmental disorder, autosomal recessive 56. Also called: Intellectual disability, autosomal recessive 56. Identifiers: MedGen C4310703, MONDO:0014930, OMIM 617125.

Allele frequency attached by ClinVar (database versions not stated): gnomAD exomes 0.00127 and 0.00370; ExAC 0.00428; gnomAD 0.01286 and 0.01392; 1000 Genomes Project 0.01378; ESP Exome Variant Server 0.01384; 1000 Genomes Project 30x 0.01483; TOPMed 0.01485.
gnomAD v4.1: 3,917 of 1,614,118 alleles (0.24%); highest among the groups gnomAD compares: African/African-American, 4.3%; 83 homozygotes.

Submissions (4):

Fulgent Genetics
Classification: Likely benign for Intellectual developmental disorder, autosomal recessive 56. Last evaluated: 2022-01-20. Review status: criteria provided, single submitter. Criteria: ACMG Guidelines, 2015. Collection method: clinical testing. Allele origin: unknown.

Labcorp Genetics (formerly Invitae), Labcorp
Classification: Benign. Last evaluated: 2019-12-31. Review status: criteria provided, single submitter. Criteria: Invitae Variant Classification Sherloc (09022015). Collection method: clinical testing. Allele origin: germline.

PreventionGenetics, part of Exact Sciences
Classification: Benign for ZC3H14-related condition. Last evaluated: 2019-09-06. Review status: no assertion criteria provided. Collection method: clinical testing. Allele origin: germline. Not counted in ClinVar's aggregate classification.
Comment: This variant is classified as benign based on ACMG/AMP sequence variant interpretation guidelines (Richards et al. 2015 PMID: 25741868, with internal and published modifications).

Genetic Services Laboratory, University of Chicago
Classification: Likely benign for AllHighlyPenetrant. Review status: no assertion criteria provided. Collection method: clinical testing. Allele origin: germline. Inheritance: Autosomal recessive inheritance. Not counted in ClinVar's aggregate classification.
Comment: Likely benign based on allele frequency in 1000 Genomes Project or ESP global frequency and its presence in a patient with a rare or unrelated disease phenotype. NOT Sanger confirmed.